The following is an entry in ClinVar:

ClinVar aggregate classification (germline): Uncertain significance (1 of 4 stars; one submission).

Allele frequency attached by ClinVar (database versions not stated): gnomAD exomes below 0.00001; TOPMed 0.00001.
gnomAD v4.1: 3 of 1,607,468 alleles (0.00019%); highest among the groups gnomAD compares: Non-Finnish European, 0.00026%; no homozygotes.

Submission:

Labcorp Genetics (formerly Invitae), Labcorp
Classification: Uncertain significance. Last evaluated: 2021-06-29. Review status: criteria provided, single submitter. Criteria: Invitae Variant Classification Sherloc (09022015). Collection method: clinical testing. Allele origin: germline.
Comment: This sequence change replaces glycine with serine at codon 20 of the MAPKAPK3 protein (p.Gly20Ser). The glycine residue is weakly conserved and there is a small physicochemical difference between glycine and serine. This variant is not present in population databases (ExAC no frequency). This variant has not been reported in the literature in individuals affected with MAPKAPK3-related conditions. Algorithms developed to predict the effect of missense changes on protein structure and function output the following: SIFT: "Tolerated"; PolyPhen-2: "Benign"; Align-GVGD: "Class C0". The serine amino acid residue is found in multiple mammalian species, which suggests that this missense change does not adversely affect protein function. In summary, the available evidence is currently insufficient to determine the role of this variant in disease. Therefore, it has been classified as a Variant of Uncertain Significance.

NM_001243925.2(MAPKAPK3):c.58G>A (p.Gly20Ser)

Gene: MAPKAPK3 (MAPK activated protein kinase 3; plus strand). Cytogenetic location: 3p21.2.
Variant type: single nucleotide variant.
Coding change: c.58G>A on transcript NM_001243925.2 (MANE Select); coding-DNA position 58, G replaced by A.
Protein change: p.Gly20Ser; replaces glycine 20 with serine.
Molecular consequence: missense variant.
Genome position (GRCh38, 1-based): chr3:50,617,623, G>A. VCF-style: chr3-50617623-G-A. GRCh37 (hg19) VCF-style: chr3-50655054-G-A.
Other names: c.58G>A, p.Gly20Ser (NM_001243926.2, NM_004635.5); short protein forms G20S.
Identifiers: ClinVar variation 1516081 (VCV001516081.8), dbSNP rs1286539544, ClinGen allele CA352961389.
Genomic context (GRCh38, chr3:50,617,623, plus strand): 5'-GCCATGGATGGTGAAACAGCAGAGGAGCAGGGGGGCCCTGTGCCCCCGCCAGTTGCACCC[G>A]GCGGACCCGGCTTGGGCGGTGCTCCGGGGGGGCGGCGGGAGCCCAAGAAGTACGCAGTGA-3'
Protein context (NP_001230854.1, residues 10-30): GGPVPPPVAP[Gly20Ser]GPGLGGAPGG